The following is an entry in ClinVar:

NM_002661.5(PLCG2):c.2503C>G (p.Leu835Val)

Gene: PLCG2 (phospholipase C gamma 2; plus strand). Cytogenetic location: 16q23.3.
Variant type: single nucleotide variant.
Coding change: c.2503C>G on transcript NM_002661.5 (MANE Select); coding-DNA position 2503, C replaced by G.
Protein change: p.Leu835Val; replaces leucine 835 with valine.
Molecular consequence: missense variant.
Genome position (GRCh38, 1-based): chr16:81,927,167, C>G. VCF-style: chr16-81927167-C-G. GRCh37 (hg19) VCF-style: chr16-81960772-C-G.
Other names: short protein forms L835V.
Identifiers: ClinVar variation 1980362 (VCV001980362.4), dbSNP rs186829827, ClinGen allele CA396902825.

ClinVar aggregate classification (germline): Uncertain significance (1 of 4 stars; one submission).

Conditions:
Familial cold autoinflammatory syndrome 3 (FCAS3). Also called: FAMILIAL ATYPICAL COLD URTICARIA; ANTIBODY DEFICIENCY AND IMMUNE DYSREGULATION, PLCG2-ASSOCIATED. Identifiers: Orphanet 300359, MedGen C3280914, MONDO:0013766, OMIM 614468.

Allele frequency attached by ClinVar (database versions not stated): 1000 Genomes Project 30x 0.00016.
gnomAD v4.1: 3 of 1,610,880 alleles (0.00019%); highest among the groups gnomAD compares: East Asian, 0.0022%; no homozygotes.

Submission:

Labcorp Genetics (formerly Invitae), Labcorp
Classification: Uncertain significance for Familial cold autoinflammatory syndrome 3. Last evaluated: 2022-06-18. Review status: criteria provided, single submitter. Criteria: Invitae Variant Classification Sherloc (09022015). Collection method: clinical testing. Allele origin: germline.
Comment: In summary, the available evidence is currently insufficient to determine the role of this variant in disease. Therefore, it has been classified as a Variant of Uncertain Significance. Algorithms developed to predict the effect of missense changes on protein structure and function (SIFT, PolyPhen-2, Align-GVGD) all suggest that this variant is likely to be tolerated. This variant has not been reported in the literature in individuals affected with PLCG2-related conditions. This variant is not present in population databases (gnomAD no frequency). This sequence change replaces leucine, which is neutral and non-polar, with valine, which is neutral and non-polar, at codon 835 of the PLCG2 protein (p.Leu835Val).